The following is an entry in ClinVar:

ClinVar aggregate classification (germline): Uncertain significance (1 of 4 stars; one submission).

Conditions:
Familial adenomatous polyposis 1 (FAP1). Also called: FAMILIAL ADENOMATOUS POLYPOSIS 1, ATTENUATED; POLYPOSIS, ADENOMATOUS INTESTINAL. Identifiers: MedGen C2713442, MONDO:0021056, OMIM 175100. Disease mechanism: loss of function.

Allele frequency attached by ClinVar (database versions not stated): gnomAD exomes below 0.00001.
gnomAD v4.1: 5 of 946,508 alleles (0.00053%); highest among the groups gnomAD compares: African/African-American, 0.0066%; no homozygotes.

Submission:

Labcorp Genetics (formerly Invitae), Labcorp
Classification: Uncertain significance for Familial adenomatous polyposis 1. Last evaluated: 2022-10-13. Review status: criteria provided, single submitter. Criteria: Invitae Variant Classification Sherloc (09022015). Collection method: clinical testing. Allele origin: germline.
Comment: This variant is present in population databases (no rsID available, gnomAD 0.01%). This variant occurs in a non-coding region of the APC gene. It does not change the encoded amino acid sequence of the APC protein. This variant has not been reported in the literature in individuals affected with APC-related conditions. In summary, the available evidence is currently insufficient to determine the role of this variant in disease. Therefore, it has been classified as a Variant of Uncertain Significance. Experimental studies and prediction algorithms are not available or were not evaluated, and the functional significance of this variant is currently unknown.

NM_001127511.3(APC):c.-136G>C

Gene: APC (APC regulator of Wnt signaling pathway; plus strand). Cytogenetic location: 5q22.2.
Variant type: single nucleotide variant.
Coding change: c.-136G>C on transcript NM_001127511.3; 136 bases upstream of the start codon, G replaced by C.
Molecular consequence: 5 prime UTR variant. On other transcripts: non-coding transcript variant (2).
Genome position (GRCh38, 1-based): chr5:112,707,582, G>C. VCF-style: chr5-112707582-G-C. GRCh37 (hg19) VCF-style: chr5-112043279-G-C.
Other names: c.-136G>C (NM_001354902.2, NM_001407446.1, NM_001354897.2); c.-319G>C (NM_001407447.1, NM_001407452.1, NM_001354895.2 and 3 more transcripts); c.-86G>C (NM_001407448.1, NM_001407450.1, NM_001407457.1 and 1 more transcripts); c.-110G>C (NM_001407453.1); c.-1354G>C (NM_001407470.1, NM_001407472.1).
Identifiers: ClinVar variation 1062295 (VCV001062295.7), dbSNP rs982566204, ClinGen allele CA124924922.
Genomic context (GRCh38, chr5:112,707,582, plus strand): 5'-CAAGATGGCGGAGGGCAAGTAGCAAGGGGGCGGGGTGTGGCCGCCGGAAGCCTAGCCGCT[G>C]CTCGGGGGGGACCTGCGGGCTCAGGCCCGGGAGCTGCGGACCGAGGTTGGCTCGATGCTG-3'